The following is an entry in ClinVar:

NM_001377.3(DYNC2H1):c.11095+208A>C

Gene: DYNC2H1 (dynein cytoplasmic 2 heavy chain 1; plus strand). Cytogenetic location: 11q22.3.
Variant type: single nucleotide variant.
Coding change: c.11095+208A>C on transcript NM_001377.3 (MANE Select); 208 bases into the intron after coding-DNA position 11095, A replaced by C.
Molecular consequence: intron variant.
Genome position (GRCh38, 1-based): chr11:103,287,813, A>C. VCF-style: chr11-103287813-A-C. GRCh37 (hg19) VCF-style: chr11-103158542-A-C.
Other names: c.11116+208A>C (NM_001080463.2).
Identifiers: ClinVar variation 667756 (VCV000667756.2), dbSNP rs2512130, ClinGen allele CA13509098.

ClinVar aggregate classification (germline): Benign. Review status: criteria provided, multiple submitters, no conflicts (2 of 4 stars). 2 submissions from 2 submitters: Benign (2). Last evaluated 2018-06-14.

Allele frequency attached by ClinVar (database versions not stated): TOPMed 0.96234; gnomAD 0.96402 and 0.96667; 1000 Genomes Project 30x 0.96939; 1000 Genomes Project 0.97065; gnomAD exomes 0.99588.
gnomAD v4.1: 481,366 of 487,868 alleles (99%); highest among the groups gnomAD compares: East Asian, 100%; 237,784 homozygotes.

Submissions (2):

GeneDx
Classification: Benign. Last evaluated: 2018-06-14. Review status: criteria provided, single submitter. Criteria: GeneDx Variant Classification (06012015). Collection method: clinical testing. Allele origin: germline. Affected: yes.
Comment: This variant is considered likely benign or benign based on one or more of the following criteria: it is a conservative change, it occurs at a poorly conserved position in the protein, it is predicted to be benign by multiple in silico algorithms, and/or has population frequency not consistent with disease.

Breakthrough Genomics
Classification: Benign. Review status: criteria provided, single submitter. Criteria: ACMG Guidelines, 2015. Collection method: not provided. Allele origin: germline. Inheritance: Autosomal recessive inheritance. Affected: yes.